The following is an entry in ClinVar:

ClinVar aggregate classification (germline): Conflicting classifications of pathogenicity. Review status: criteria provided, conflicting classifications (1 of 4 stars). 2 submissions from 2 submitters: Likely pathogenic (1); Uncertain significance (1). Last evaluated 2025-11-24.

Conditions:
Mitochondrial disease. Also called: Mitochondrial disorders; Mitochondrial disorder. Identifiers: Orphanet 68380, MedGen C0751651, MeSH D028361, MONDO:0044970.

Submissions (2):

Genomenon, Inc
Classification: Likely pathogenic for Mitochondrial disease. Last evaluated: 2025-11-24. Review status: criteria provided, single submitter. Criteria: Genomenon Sequence Variant Interpretation Standards - Updated. Collection method: curation. Allele origin: germline. Affected: yes.
Comment: TK2 p.Cys54Tyr (c.161G>A) is a missense variant that changes the amino acid at residue 54 from Cysteine to Tyrosine. This variant has been observed in multiple probands affected with mitochondrial disease in the compound heterozygous state (35289132, 29783828, 40098049). This variant is not present at a significant frequency in gnomAD and in silico models agree that this variant is possibly or probably damaging. In conclusion, we classify TK2 p.Cys54Tyr (c.161G>A) as a likely pathogenic variant.

Women's Health and Genetics/Laboratory Corporation of America, LabCorp
Classification: Uncertain significance. Last evaluated: 2025-06-05. Review status: criteria provided, single submitter. Criteria: LabCorp Variant Classification Summary - May 2015. Collection method: clinical testing. Allele origin: germline.
Comment: Variant summary: TK2 c.161G>A (p.Cys54Tyr) results in a non-conservative amino acid change in the encoded protein sequence. Algorithms developed to predict the effect of missense changes on protein structure and function all suggest that this variant is likely to be disruptive. The variant was absent in 251458 control chromosomes. c.161G>A has been observed in individuals affected with Mitochondrial DNA Depletion Syndrome (e.g., Hou_2022, Wu_2018, Zhao_2024). These data indicate that the variant may be associated with disease. To our knowledge, no experimental evidence demonstrating an impact on protein function has been reported. The following publications have been ascertained in the context of this evaluation (PMID: 35289132, 29783828, 39118480). ClinVar contains an entry for this variant (Variation ID: 3778853). Based on the evidence outlined above, the variant was classified as VUS-possibly pathogenic.

Literature cited by the submitters: PubMed 35289132 (cited by Genomenon, Inc and Women's Health and Genetics/Laboratory Corporation of America, LabCorp); PubMed 29783828 (cited by Genomenon, Inc and Women's Health and Genetics/Laboratory Corporation of America, LabCorp); PubMed 40098049 (cited by Genomenon, Inc); PubMed 39118480 (cited by Women's Health and Genetics/Laboratory Corporation of America, LabCorp).

NM_004614.5(TK2):c.161G>A (p.Cys54Tyr)

Gene: TK2 (thymidine kinase 2; minus strand). Cytogenetic location: 16q21.
Variant type: single nucleotide variant.
Coding change: c.161G>A on transcript NM_004614.5 (MANE Select); coding-DNA position 161, G replaced by A.
Protein change: p.Cys54Tyr; replaces cysteine 54 with tyrosine.
Molecular consequence: missense variant. On other transcripts: 5 prime UTR variant (1), non-coding transcript variant (1), intron variant (1).
Genome position (GRCh38, 1-based): chr16:66,541,949, C>T on the plus strand (G>A on the coding strand, the complement: TK2 is on the minus strand). VCF-style: chr16-66541949-C-T. GRCh37 (hg19) VCF-style: chr16-66575852-C-T.
Other names: c.68G>A, p.Cys23Tyr (NM_001172643.1, NM_001271935.1); c.161G>A, p.Cys54Tyr (NM_001172645.2); c.14G>A, p.Cys5Tyr (NM_001271934.2); c.-131G>A (NM_001272050.2); c.157-4932G>A (NM_001172644.2); short protein forms C23Y, C54Y, C5Y.
Identifiers: ClinVar variation 3778853 (VCV003778853.3).